The following is an entry in ClinVar:

ClinVar aggregate classification (germline): Uncertain significance (1 of 4 stars; one submission).

Conditions:
Dystonia 12 (DYT12). Also called: Rapid-Onset Dystonia-Parkinsonism (RDP); DYT-ATP1A3. Identifiers: Orphanet 71517, MedGen C1868681, MONDO:0007496, OMIM 128235.

Submission:

Labcorp Genetics (formerly Invitae), Labcorp
Classification: Uncertain significance for Dystonia 12. Last evaluated: 2023-02-22. Review status: criteria provided, single submitter. Criteria: Invitae Variant Classification Sherloc (09022015). Collection method: clinical testing. Allele origin: germline.
Comment: This variant has not been reported in the literature in individuals affected with ATP1A3-related conditions. In summary, the available evidence is currently insufficient to determine the role of this variant in disease. Therefore, it has been classified as a Variant of Uncertain Significance. Algorithms developed to predict the effect of sequence changes on RNA splicing suggest that this variant may disrupt the consensus splice site. Experimental studies and prediction algorithms are not available or were not evaluated, and the functional significance of this variant is currently unknown. This variant is not present in population databases (gnomAD no frequency). This variant, c.2953_2973del, results in the deletion of 7 amino acid(s) of the ATP1A3 protein (p.Ser985_Tyr991del), but otherwise preserves the integrity of the reading frame.

NM_152296.5(ATP1A3):c.2953_2973del (p.Ser985_Tyr991del)

Gene: ATP1A3 (ATPase Na+/K+ transporting subunit alpha 3; minus strand). Cytogenetic location: 19q13.2.
Variant type: Deletion.
Coding change: c.2953_2973del on transcript NM_152296.5 (MANE Select); coding-DNA positions 2953 to 2973, 21 bases deleted (AGTTTCCTCATCTTCGTCTAC).
Protein change: p.Ser985_Tyr991del.
Molecular consequence: inframe deletion.
Genome position (GRCh38, 1-based): chr19:41,967,289-41,967,309, GTAGACGAAGATGAGGAAACT deleted on the plus strand (AGTTTCCTCATCTTCGTCTAC on the coding strand, the reverse complement: ATP1A3 is on the minus strand); deleting any 21 consecutive bases within chr19:41,967,289-41,967,313 gives the same sequence; the c. name uses the placement nearest the transcript's 3' end. VCF-style (leftmost placement, unchanged base first): chr19-41967288-CGTAGACGAAGATGAGGAAACT-C. GRCh37 (hg19) VCF-style: chr19-42471440-CGTAGACGAAGATGAGGAAACT-C.
Other names: c.2986_3006del, p.Ser996_Tyr1002del (NM_001256213.2); c.2992_3012del, p.Ser998_Tyr1004del (NM_001256214.2).
Identifiers: ClinVar variation 2839787 (VCV002839787.3), dbSNP rs2514023663, ClinGen allele CA2739276829.